The following is an entry in ClinVar:

ClinVar aggregate classification (germline): Pathogenic (1 of 4 stars; one submission).

Conditions:
Severe combined immunodeficiency due to DCLRE1C deficiency (RS-SCID). Also called: SCID, AUTOSOMAL RECESSIVE, T CELL-NEGATIVE, B CELL-NEGATIVE, NK CELL-POSITIVE, WITH SENSITIVITY TO IONIZING RADIATION. Identifiers: Orphanet 275, MedGen C1865371, MONDO:0011225, OMIM 602450.

Submission:

Labcorp Genetics (formerly Invitae), Labcorp
Classification: Pathogenic for Athabaskan severe combined immunodeficiency. Last evaluated: 2022-06-05. Review status: criteria provided, single submitter. Criteria: Invitae Variant Classification Sherloc (09022015). Collection method: clinical testing. Allele origin: germline.
Comment: For these reasons, this variant has been classified as Pathogenic. This variant has not been reported in the literature in individuals affected with DCLRE1C-related conditions. This variant is a gross deletion of the genomic region encompassing exon(s) 2 of the DCLRE1C gene. This deletion is out-of-frame, and is expected to create a premature termination codon and result in an absent or disrupted protein product. Loss-of-function variants in DCLRE1C are known to be pathogenic (PMID: 21664875, 26123418).

Literature cited by the submitters: PubMed 21664875; PubMed 26123418.

NC_000010.10:g.(?_14991015)_(14991106_?)del

Gene: DCLRE1C (DNA cross-link repair 1C; minus strand). Cytogenetic location: 10p13.
Variant type: Deletion.
Identifiers: ClinVar variation 2423513 (VCV002423513.4).